The following is an entry in ClinVar:

NM_001199267.2(DGKZ):c.692C>T (p.Ser231Leu)

Gene: DGKZ (diacylglycerol kinase zeta; plus strand). Cytogenetic location: 11p11.2.
Variant type: single nucleotide variant.
Coding change: c.692C>T on transcript NM_001199267.2 (MANE Select); coding-DNA position 692, C replaced by T.
Protein change: p.Ser231Leu; replaces serine 231 with leucine.
Molecular consequence: missense variant.
Genome position (GRCh38, 1-based): chr11:46,371,539, C>T. VCF-style: chr11-46371539-C-T. GRCh37 (hg19) VCF-style: chr11-46393089-C-T.
Other names: c.1259C>T, p.Ser420Leu (NM_001105540.2); c.695C>T, p.Ser232Leu (NM_001199266.2, NM_003646.4); c.626C>T, p.Ser209Leu (NM_001199268.2); c.743C>T, p.Ser248Leu (NM_201532.3); c.707C>T, p.Ser236Leu (NM_201533.3); short protein forms S209L, S231L, S420L, S232L, S236L, S248L.
Identifiers: ClinVar variation 2973045 (VCV002973045.3), dbSNP rs776442715, ClinGen allele CA5962567.

ClinVar aggregate classification (germline): Uncertain significance (1 of 4 stars; one submission).

Allele frequency attached by ClinVar (database versions not stated): gnomAD exomes 0.00002; TOPMed 0.00002; ExAC 0.00004.
gnomAD v4.1: 27 of 1,610,624 alleles (0.0017%); highest among the groups gnomAD compares: South Asian, 0.019%; no homozygotes.

Submission:

Labcorp Genetics (formerly Invitae), Labcorp
Classification: Uncertain significance. Last evaluated: 2022-11-03. Review status: criteria provided, single submitter. Criteria: Invitae Variant Classification Sherloc (09022015). Collection method: clinical testing. Allele origin: germline.
Comment: This sequence change replaces serine, which is neutral and polar, with leucine, which is neutral and non-polar, at codon 420 of the DGKZ protein (p.Ser420Leu). This variant is present in population databases (rs776442715, gnomAD 0.03%). In summary, the available evidence is currently insufficient to determine the role of this variant in disease. Therefore, it has been classified as a Variant of Uncertain Significance. Algorithms developed to predict the effect of missense changes on protein structure and function are either unavailable or do not agree on the potential impact of this missense change (SIFT: "Deleterious"; PolyPhen-2: "Probably Damaging"; Align-GVGD: "Class C15"). This variant has not been reported in the literature in individuals affected with DGKZ-related conditions.